The following is an entry in ClinVar:

NM_004706.4(ARHGEF1):c.2413G>A (p.Glu805Lys)

Gene: ARHGEF1 (Rho guanine nucleotide exchange factor 1; plus strand). Cytogenetic location: 19q13.2.
Variant type: single nucleotide variant.
Coding change: c.2413G>A on transcript NM_004706.4 (MANE Select); coding-DNA position 2413, G replaced by A.
Protein change: p.Glu805Lys; replaces glutamic acid 805 with lysine.
Molecular consequence: missense variant.
Genome position (GRCh38, 1-based): chr19:41,905,947, G>A. VCF-style: chr19-41905947-G-A. GRCh37 (hg19) VCF-style: chr19-42410099-G-A.
Other names: c.2314G>A, p.Glu772Lys (NM_198977.2); c.2458G>A, p.Glu820Lys (NM_199002.2); c.2458G>A (NM_199002.1); short protein forms E820K, E805K, E772K.
Identifiers: ClinVar variation 1388034 (VCV001388034.9), dbSNP rs376841668, ClinGen allele CA9466727.

ClinVar aggregate classification (germline): Uncertain significance. Review status: criteria provided, multiple submitters, no conflicts (2 of 4 stars). 2 submissions from 2 submitters: Uncertain significance (2). Last evaluated 2025-09-10.

Allele frequency attached by ClinVar (database versions not stated): ExAC 0.00001; gnomAD 0.00001 and 0.00006; gnomAD exomes 0.00002 and 0.00005; ESP Exome Variant Server 0.00008; TOPMed 0.00009.
gnomAD v4.1: 82 of 1,613,980 alleles (0.0051%); highest among the groups gnomAD compares: Non-Finnish European, 0.0061%; no homozygotes.

Submissions (2):

Labcorp Genetics (formerly Invitae), Labcorp
Classification: Uncertain significance. Last evaluated: 2025-09-10. Review status: criteria provided, single submitter. Criteria: Invitae Variant Classification Sherloc (09022015). Collection method: clinical testing. Allele origin: germline.
Comment: This sequence change replaces glutamic acid, which is acidic and polar, with lysine, which is basic and polar, at codon 820 of the ARHGEF1 protein (p.Glu820Lys). This variant is present in population databases (rs376841668, gnomAD 0.006%). This variant has not been reported in the literature in individuals affected with ARHGEF1-related conditions. ClinVar contains an entry for this variant (Variation ID: 1388034). An algorithm developed to predict the effect of missense changes on protein structure and function (PolyPhen-2) suggests that this variant is likely to be disruptive. In summary, the available evidence is currently insufficient to determine the role of this variant in disease. Therefore, it has been classified as a Variant of Uncertain Significance.

Ambry Genetics
Classification: Uncertain significance. Last evaluated: 2024-01-08. Review status: criteria provided, single submitter. Criteria: Ambry Variant Classification Scheme 2023. Collection method: clinical testing. Allele origin: germline.